The following is an entry in ClinVar:

ClinVar aggregate classification (germline): Likely pathogenic (1 of 4 stars; one submission).

Submission:

GeneDx
Classification: Likely pathogenic. Last evaluated: 2026-08-03. Review status: criteria provided, single submitter. Criteria: GeneDx Variant Classification Process June 2021. Collection method: clinical testing. Allele origin: germline.
Comment: Frameshift variant predicted to result in protein truncation or nonsense mediated decay in a gene for which loss of function is a known mechanism of disease; Not observed at significant frequency in large population cohorts (gnomAD); Has not been previously published as pathogenic or benign to our knowledge

NM_001711.6(BGN):c.397dup (p.Ala133fs)

Gene: BGN (biglycan; plus strand). Cytogenetic location: Xq28.
Variant type: Duplication.
Coding change: c.397dup on transcript NM_001711.6 (MANE Select); coding-DNA position 397, one base duplicated (G; older notation c.397dupG).
Protein change: p.Ala133fs; shifts the reading frame from alanine 133.
Molecular consequence: frameshift variant.
Genome position (GRCh38, 1-based): chrX:153,505,908, G duplicated; the last of 2 consecutive G bases (chrX:153,505,907-153,505,908); duplicating either gives the same sequence. VCF-style (leftmost placement, unchanged base first): chrX-153505906-A-AG. GRCh37 (hg19) VCF-style: chrX-152771364-A-AG.
Other names: short protein forms A133fs.
Identifiers: ClinVar variation 4527014 (VCV004527014.2).